The following is an entry in ClinVar:

NM_024809.5(TCTN2):c.898del (p.Leu300fs)

Gene: TCTN2 (tectonic family member 2; plus strand). Cytogenetic location: 12q24.31.
Variant type: Deletion.
Coding change: c.898del on transcript NM_024809.5 (MANE Select); coding-DNA position 898, one base deleted (C; older notation c.898delC).
Protein change: p.Leu300fs; shifts the reading frame from leucine 300.
Molecular consequence: frameshift variant.
Genome position (GRCh38, 1-based): chr12:123,690,539, C deleted; the last of 3 consecutive C bases (chr12:123,690,537-123,690,539); deleting any one gives the same sequence. VCF-style (leftmost placement, unchanged base first): chr12-123690536-TC-T. GRCh37 (hg19) VCF-style: chr12-124175083-TC-T.
Other names: c.895del, p.Leu299fs (NM_001143850.3); c.898del, p.Leu300fs (NM_001410989.1); short protein forms L300fs, L299fs.
Identifiers: ClinVar variation 2942437 (VCV002942437.3), dbSNP rs924674737, ClinGen allele CA245163059.

ClinVar aggregate classification (germline): Pathogenic (1 of 4 stars; one submission).

Conditions:
Joubert syndrome. Also called: CEREBELLOPARENCHYMAL DISORDER IV; JOUBERT-BOLTSHAUSER SYNDROME; Familial aplasia of the vermis. Identifiers: Orphanet 475, MedGen C5979921, MONDO:0018772.
Meckel-Gruber syndrome. Also called: DYSENCEPHALIA SPLANCHNOCYSTICA; GRUBER SYNDROME; Dysencephalia splachnocystica. Identifiers: Orphanet 564, MedGen C0265215, MONDO:0018921.

Submission:

Labcorp Genetics (formerly Invitae), Labcorp
Classification: Pathogenic for Joubert syndrome; Meckel-Gruber syndrome. Last evaluated: 2022-12-17. Review status: criteria provided, single submitter. Criteria: Invitae Variant Classification Sherloc (09022015). Collection method: clinical testing. Allele origin: germline.
Comment: This variant has not been reported in the literature in individuals affected with TCTN2-related conditions. For these reasons, this variant has been classified as Pathogenic. This variant is not present in population databases (gnomAD no frequency). This sequence change creates a premature translational stop signal (p.Leu300Trpfs*39) in the TCTN2 gene. It is expected to result in an absent or disrupted protein product. Loss-of-function variants in TCTN2 are known to be pathogenic (PMID: 21565611).

Literature cited by the submitters: PubMed 21565611.